The following is an entry in ClinVar:

ClinVar aggregate classification (germline): Uncertain significance (1 of 4 stars; one submission).

Conditions:
Hypertrophic cardiomyopathy 12. Identifiers: MedGen C2677491, MONDO:0012804, OMIM 612124.
Dilated cardiomyopathy 1M (CMD1M). Identifiers: Orphanet 154, MedGen C1843808, MONDO:0011840, OMIM 607482.

Submission:

Labcorp Genetics (formerly Invitae), Labcorp
Classification: Uncertain significance for Hypertrophic cardiomyopathy 12; Dilated cardiomyopathy 1M. Last evaluated: 2021-09-08. Review status: criteria provided, single submitter. Criteria: Invitae Variant Classification Sherloc (09022015). Collection method: clinical testing. Allele origin: germline.
Comment: In summary, the available evidence is currently insufficient to determine the role of this variant in disease. Therefore, it has been classified as a Variant of Uncertain Significance. Algorithms developed to predict the effect of missense changes on protein structure and function are either unavailable or do not agree on the potential impact of this missense change (SIFT: "Tolerated"; PolyPhen-2: "Not Available"; Align-GVGD: "Class C0"). This variant has not been reported in the literature in individuals affected with CSRP3-related conditions. This variant is not present in population databases (ExAC no frequency). This sequence change replaces glutamine with glutamic acid at codon 188 of the CSRP3 protein (p.Gln188Glu). The glutamine residue is moderately conserved and there is a small physicochemical difference between glutamine and glutamic acid.

NM_003476.5(CSRP3):c.562C>G (p.Gln188Glu)

Gene: CSRP3 (cysteine and glycine rich protein 3; minus strand). Cytogenetic location: 11p15.1.
Variant type: single nucleotide variant.
Coding change: c.562C>G on transcript NM_003476.5 (MANE Select); coding-DNA position 562, C replaced by G.
Protein change: p.Gln188Glu; replaces glutamine 188 with glutamic acid.
Molecular consequence: missense variant.
Genome position (GRCh38, 1-based): chr11:19,182,693, G>C on the plus strand (C>G on the coding strand, the complement: CSRP3 is on the minus strand). VCF-style: chr11-19182693-G-C. GRCh37 (hg19) VCF-style: chr11-19204240-G-C.
Other names: c.393C>G, p.His131Gln (NM_001369404.1); short protein forms H131Q, Q188E.
Identifiers: ClinVar variation 1518048 (VCV001518048.6), dbSNP rs2133503835, ClinGen allele CA379887485.